The following is an entry in ClinVar:

NM_000733.4(CD3E):c.398T>C (p.Ile133Thr)

Gene: CD3E (CD3 epsilon subunit of T-cell receptor complex; plus strand). Cytogenetic location: 11q23.3.
Variant type: single nucleotide variant.
Coding change: c.398T>C on transcript NM_000733.4 (MANE Select); coding-DNA position 398, T replaced by C.
Protein change: p.Ile133Thr; replaces isoleucine 133 with threonine.
Molecular consequence: missense variant.
Genome position (GRCh38, 1-based): chr11:118,313,752, T>C. VCF-style: chr11-118313752-T-C. GRCh37 (hg19) VCF-style: chr11-118184467-T-C.
Other names: short protein forms I133T.
Identifiers: ClinVar variation 951896 (VCV000951896.7), dbSNP rs200987721, ClinGen allele CA6301709.
Genomic context (GRCh38, chr11:118,313,752, plus strand): 5'-CCCCACCCCCCACAGTGTGTGAGAACTGCATGGAGATGGATGTGATGTCGGTGGCCACAA[T>C]TGTCATAGTGGACATCTGCATCACTGGGGGCTTGCTGCTGCTGGTTTACTACTGGAGCAA-3'
Protein context (NP_000724.1, residues 123-143): MEMDVMSVAT[Ile133Thr]VIVDICITGG

ClinVar aggregate classification (germline): Uncertain significance. Review status: criteria provided, multiple submitters, no conflicts (2 of 4 stars). 2 submissions from 2 submitters: Uncertain significance (2). Last evaluated 2024-06-11.

Conditions:
Inborn genetic diseases. Identifiers: MedGen C0950123, MeSH D030342.
Immunodeficiency 18 (IMD18). Also called: CD3epsilon deficiency; CD3-EPSILON DEFICIENCY. Identifiers: MedGen C3810127, MONDO:0014278, OMIM 615615.

Allele frequency attached by ClinVar (database versions not stated): gnomAD exomes 0.00001 and 0.00004; ExAC 0.00003; ESP Exome Variant Server 0.00008; gnomAD 0.00015 and 0.00016; TOPMed 0.00015.
gnomAD v4.1: 45 of 1,613,910 alleles (0.0028%); highest among the groups gnomAD compares: African/African-American, 0.041%; no homozygotes.

Submissions (2):

Ambry Genetics
Classification: Uncertain significance for Inborn genetic diseases. Last evaluated: 2024-06-11. Review status: criteria provided, single submitter. Criteria: Ambry Variant Classification Scheme 2023. Collection method: clinical testing. Allele origin: germline.

Labcorp Genetics (formerly Invitae), Labcorp
Classification: Uncertain significance for Immunodeficiency 18. Last evaluated: 2022-08-15. Review status: criteria provided, single submitter. Criteria: Invitae Variant Classification Sherloc (09022015). Collection method: clinical testing. Allele origin: germline.
Comment: This sequence change replaces isoleucine, which is neutral and non-polar, with threonine, which is neutral and polar, at codon 133 of the CD3E protein (p.Ile133Thr). This variant is present in population databases (rs200987721, gnomAD 0.04%). This variant has not been reported in the literature in individuals affected with CD3E-related conditions. ClinVar contains an entry for this variant (Variation ID: 951896). Algorithms developed to predict the effect of missense changes on protein structure and function (SIFT, PolyPhen-2, Align-GVGD) all suggest that this variant is likely to be disruptive. In summary, the available evidence is currently insufficient to determine the role of this variant in disease. Therefore, it has been classified as a Variant of Uncertain Significance.